The following is an entry in ClinVar:

NM_000264.5(PTCH1):c.1267A>C (p.Thr423Pro)

Gene: PTCH1 (patched 1; minus strand). Cytogenetic location: 9q22.32.
Variant type: single nucleotide variant.
Coding change: c.1267A>C on transcript NM_000264.5 (MANE Select); coding-DNA position 1267, A replaced by C.
Protein change: p.Thr423Pro; replaces threonine 423 with proline.
Molecular consequence: missense variant. On other transcripts: non-coding transcript variant (1).
Genome position (GRCh38, 1-based): chr9:95,478,135, T>G on the plus strand (A>C on the coding strand, the complement: PTCH1 is on the minus strand). VCF-style: chr9-95478135-T-G. GRCh37 (hg19) VCF-style: chr9-98240417-T-G.
Other names: c.1069A>C, p.Thr357Pro (NM_001083602.3); c.1264A>C, p.Thr422Pro (NM_001083603.3); c.814A>C, p.Thr272Pro (NM_001083604.3, NM_001083605.3, NM_001083606.3 and 1 more transcripts); c.1267A>C, p.Thr423Pro (NM_001354918.2); short protein forms T272P, T357P, T422P, T423P.
Identifiers: ClinVar variation 1707793 (VCV001707793.2), dbSNP rs1339832074, ClinGen allele CA374118865.

ClinVar aggregate classification (germline): Uncertain significance (1 of 4 stars; one submission).

Submission:

GeneDx
Classification: Uncertain significance. Last evaluated: 2022-03-31. Review status: criteria provided, single submitter. Criteria: GeneDx Variant Classification Process June 2021. Collection method: clinical testing. Allele origin: germline. Affected: yes.
Comment: Not observed at significant frequency in large population cohorts (gnomAD); In silico analysis supports that this missense variant has a deleterious effect on protein structure/function; Has not been previously published as pathogenic or benign to our knowledge; This variant is associated with the following publications: (PMID: 8906794)